The following is an entry in ClinVar:

ClinVar aggregate classification (germline): Uncertain significance. Review status: criteria provided, multiple submitters, no conflicts (2 of 4 stars). 2 submissions from 2 submitters: Uncertain significance (2). Last evaluated 2024-03-29.

Conditions:
Developmental and epileptic encephalopathy, 14 (DEE14). Also called: Early infantile epileptic encephalopathy 14. Identifiers: Orphanet 293181, MedGen C3554195, MONDO:0013989, OMIM 614959.
Autosomal dominant nocturnal frontal lobe epilepsy 5. Also called: KCNT1-Related Epilepsy; CILIARY DYSKINESIA, PRIMARY, 28, WITHOUT SITUS INVERSUS; CILIARY DYSKINESIA, PRIMARY, 28, WITH SITUS INVERSUS; Epilepsy, nocturnal frontal lobe, 5. Identifiers: Orphanet 98784, MedGen C3554306, MONDO:0014002, OMIM 615005.

Allele frequency attached by ClinVar (database versions not stated): TOPMed 0.00001.

Submissions (2):

Genomic Medicine Center of Excellence, King Faisal Specialist Hospital and Research Centre
Classification: Uncertain significance for Developmental and epileptic encephalopathy, 14. Last evaluated: 2024-03-29. Review status: criteria provided, single submitter. Criteria: ACMG Guidelines, 2015. Collection method: clinical testing. Allele origin: germline.

Baylor Genetics
Classification: Uncertain significance for Autosomal dominant nocturnal frontal lobe epilepsy 5. Last evaluated: 2020-02-03. Review status: criteria provided, single submitter. Criteria: ACMG Guidelines, 2015. Collection method: clinical testing. Allele origin: unknown. Affected: yes.
Comment: This variant was determined to be of uncertain significance according to ACMG Guidelines, 2015 [PMID:25741868].

NM_020822.3(KCNT1):c.3046G>T (p.Asp1016Tyr)

Gene: KCNT1 (potassium sodium-activated channel subfamily T member 1; plus strand). Cytogenetic location: 9q34.3.
Variant type: single nucleotide variant.
Coding change: c.3046G>T on transcript NM_020822.3 (MANE Select); coding-DNA position 3046, G replaced by T.
Protein change: p.Asp1016Tyr; replaces aspartic acid 1016 with tyrosine.
Molecular consequence: missense variant.
Genome position (GRCh38, 1-based): chr9:135,784,779, G>T. VCF-style: chr9-135784779-G-T. GRCh37 (hg19) VCF-style: chr9-138676625-G-T.
Other names: c.2911G>T, p.Asp971Tyr (NM_001272003.2); short protein forms D1016Y, D971Y.
Identifiers: ClinVar variation 1029788 (VCV001029788.2), dbSNP rs779908455, ClinGen allele CA375518070.